The following is an entry in ClinVar:

NM_006946.4(SPTBN2):c.2238C>T (p.Ala746=)

Gene: SPTBN2 (spectrin beta, non-erythrocytic 2; minus strand). Cytogenetic location: 11q13.2.
Variant type: single nucleotide variant.
Coding change: c.2238C>T on transcript NM_006946.4 (MANE Select); coding-DNA position 2238, C replaced by T.
Protein change: p.Ala746=; no amino-acid change (alanine 746 retained).
Molecular consequence: synonymous variant.
Genome position (GRCh38, 1-based): chr11:66,705,038, G>A on the plus strand (C>T on the coding strand, the complement: SPTBN2 is on the minus strand). VCF-style: chr11-66705038-G-A. GRCh37 (hg19) VCF-style: chr11-66472509-G-A.
Identifiers: ClinVar variation 778422 (VCV000778422.33), dbSNP rs555186039, ClinGen allele CA6129171.

ClinVar aggregate classification (germline): Likely benign. Review status: criteria provided, multiple submitters, no conflicts (2 of 4 stars). 3 submissions from 3 submitters: Likely benign (2). 1 of the submissions does not count toward it. Last evaluated 2025-03-17.

Conditions:
SPTBN2-related disorder. Also called: SPTBN2-related condition.

Allele frequency attached by ClinVar (database versions not stated): gnomAD exomes 0.00007 and 0.00010; ExAC 0.00010; gnomAD 0.00012 and 0.00013; TOPMed 0.00014; 1000 Genomes Project 0.00020; 1000 Genomes Project 30x 0.00031.
gnomAD v4.1: 165 of 1,600,180 alleles (0.01%); highest among the groups gnomAD compares: African/African-American, 0.043%; no homozygotes.

Submissions (3):

Labcorp Genetics (formerly Invitae), Labcorp
Classification: Likely benign. Last evaluated: 2025-03-17. Review status: criteria provided, single submitter. Criteria: Invitae Variant Classification Sherloc (09022015). Collection method: clinical testing. Allele origin: germline.

CeGaT Center for Human Genetics Tuebingen
Classification: Likely benign. Last evaluated: 2023-02-01. Review status: criteria provided, single submitter. Criteria: CeGaT Center For Human Genetics Tuebingen Variant Classification Criteria Version 2. Collection method: clinical testing. Allele origin: germline. Affected: yes. Observed: 1 variant allele.
Comment: SPTBN2: BP4, BP7

PreventionGenetics, part of Exact Sciences
Classification: Likely benign for SPTBN2-related condition. Last evaluated: 2019-05-03. Review status: no assertion criteria provided. Collection method: clinical testing. Allele origin: germline. Not counted in ClinVar's aggregate classification.
Comment: This variant is classified as likely benign based on ACMG/AMP sequence variant interpretation guidelines (Richards et al. 2015 PMID: 25741868, with internal and published modifications).